The following is an entry in ClinVar:

NM_015338.6(ASXL1):c.704G>A (p.Arg235Gln)

Gene: ASXL1 (ASXL transcriptional regulator 1; plus strand). Cytogenetic location: 20q11.21.
Variant type: single nucleotide variant.
Coding change: c.704G>A on transcript NM_015338.6 (MANE Select); coding-DNA position 704, G replaced by A.
Protein change: p.Arg235Gln; replaces arginine 235 with glutamine.
Molecular consequence: missense variant. On other transcripts: intron variant (1).
Genome position (GRCh38, 1-based): chr20:32,430,039, G>A. VCF-style: chr20-32430039-G-A. GRCh37 (hg19) VCF-style: chr20-31017842-G-A.
Other names: c.535+608G>A (NM_001363734.1); short protein forms R235Q.
Identifiers: ClinVar variation 1946527 (VCV001946527.6), dbSNP rs1234538414, ClinGen allele CA408553184.
Genomic context (GRCh38, chr20:32,430,039, plus strand): 5'-CTGCTATTCGTGGCCAGGCCGAGGTCACCCAGGACCCTGCCCCGCTCCTGAGAGGCTTCC[G>A]GAAGCCAGCCACAGGTGAGTGGCGTGGCACTTATTTCTCTGCCTGTAAAGGGGGCCCCTG-3'
Protein context (NP_056153.2, residues 225-245): QDPAPLLRGF[Arg235Gln]KPATGQMKRN

ClinVar aggregate classification (germline): Uncertain significance. Review status: criteria provided, multiple submitters, no conflicts (2 of 4 stars). 2 submissions from 2 submitters: Uncertain significance (2). Last evaluated 2025-07-15.

Conditions:
Inborn genetic diseases. Identifiers: MedGen C0950123, MeSH D030342.

Allele frequency attached by ClinVar (database versions not stated): gnomAD 0.00001; gnomAD exomes 0.00001; TOPMed 0.00001.
gnomAD v4.1: 17 of 1,604,586 alleles (0.0011%); highest among the groups gnomAD compares: African/African-American, 0.0053%; no homozygotes.

Submissions (2):

Ambry Genetics
Classification: Uncertain significance for Inborn genetic diseases. Last evaluated: 2025-07-15. Review status: criteria provided, single submitter. Criteria: Ambry Variant Classification Scheme 2023. Collection method: clinical testing. Allele origin: germline.
Comment: The p.R235Q variant (also known as c.704G>A), located in coding exon 8 of the ASXL1 gene, results from a G to A substitution at nucleotide position 704. The arginine at codon 235 is replaced by glutamine, an amino acid with highly similar properties. This amino acid position is conserved. In addition, this alteration is predicted to be tolerated by in silico analysis. Based on the available evidence, the clinical significance of this variant remains unclear.

Labcorp Genetics (formerly Invitae), Labcorp
Classification: Uncertain significance. Last evaluated: 2025-04-14. Review status: criteria provided, single submitter. Criteria: Invitae Variant Classification Sherloc (09022015). Collection method: clinical testing. Allele origin: germline.
Comment: This sequence change replaces arginine, which is basic and polar, with glutamine, which is neutral and polar, at codon 235 of the ASXL1 protein (p.Arg235Gln). This variant is present in population databases (no rsID available, gnomAD 0.007%). This variant has not been reported in the literature in individuals affected with ASXL1-related conditions. ClinVar contains an entry for this variant (Variation ID: 1946527). An algorithm developed to predict the effect of missense changes on protein structure and function (PolyPhen-2) suggests that this variant is likely to be disruptive. In summary, the available evidence is currently insufficient to determine the role of this variant in disease. Therefore, it has been classified as a Variant of Uncertain Significance.